The following is an entry in ClinVar:

NM_080916.3(DGUOK):c.93C>G (p.Gly31=)

Genes: DGUOK (deoxyguanosine kinase; plus strand), LOC129934096 (ATAC-STARR-seq lymphoblastoid active region 16036; plus strand). Cytogenetic location: 2p13.1.
Variant type: single nucleotide variant.
Coding change: c.93C>G on transcript NM_080916.3 (MANE Select); coding-DNA position 93, C replaced by G.
Protein change: p.Gly31=; no amino-acid change (glycine 31 retained).
Molecular consequence: synonymous variant. On other transcripts: 5 prime UTR variant (4), non-coding transcript variant (6).
Genome position (GRCh38, 1-based): chr2:73,927,003, C>G. VCF-style: chr2-73927003-C-G. GRCh37 (hg19) VCF-style: chr2-74154130-C-G.
Other names: c.93C>G, p.Gly31= (NM_001318859.2, NM_080918.3); c.-86C>G (NM_001318860.2, NM_001318863.2); c.-172C>G (NM_001318861.2, NM_001318862.2); c.93C>G (NM_080916.2).
Identifiers: ClinVar variation 2184099 (VCV002184099.5), dbSNP rs549112717, ClinGen allele CA1718140.
Genomic context (GRCh38, chr2:73,927,003, plus strand): 5'-TCGAGCACCCTTCAGTTCCATGGCCAAGAGCCCACTCGAGGGCGTTTCCTCCTCCAGAGG[C>G]CTGCACGCGGGGCGCGGGCCCCGAAGGCTCTCCATCGAAGGCAACATTGGTAAGGGCCGG-3'
Protein context (NP_550438.1, residues 21-41): SPLEGVSSSR[Gly31=]LHAGRGPRRL

ClinVar aggregate classification (germline): Likely benign. Review status: criteria provided, single submitter (1 of 4 stars). 2 submissions from 2 submitters: Likely benign (1). 1 of the submissions does not count toward it. Last evaluated 2023-09-27.

Conditions:
DGUOK-related disorder. Also called: DGUOK-related condition.

Allele frequency attached by ClinVar (database versions not stated): gnomAD 0.00002; 1000 Genomes Project 30x 0.00016; 1000 Genomes Project 0.00020.

Submissions (2):

Labcorp Genetics (formerly Invitae), Labcorp
Classification: Likely benign. Last evaluated: 2023-09-27. Review status: criteria provided, single submitter. Criteria: Invitae Variant Classification Sherloc (09022015). Collection method: clinical testing. Allele origin: germline.

PreventionGenetics, part of Exact Sciences
Classification: Likely benign for DGUOK-related condition. Last evaluated: 2024-05-16. Review status: no assertion criteria provided. Collection method: clinical testing. Allele origin: germline. Not counted in ClinVar's aggregate classification.
Comment: This variant is classified as likely benign based on ACMG/AMP sequence variant interpretation guidelines (Richards et al. 2015 PMID: 25741868, with internal and published modifications).